The following is an entry in ClinVar:

NM_001365536.1(SCN9A):c.2405A>G (p.Glu802Gly)

Genes: SCN9A (sodium voltage-gated channel alpha subunit 9; minus strand), SCN1A-AS1 (SCN1A and SCN9A antisense RNA 1; plus strand). Cytogenetic location: 2q24.3.
Variant type: single nucleotide variant.
Coding change: c.2405A>G on transcript NM_001365536.1 (MANE Select); coding-DNA position 2405, A replaced by G.
Protein change: p.Glu802Gly; replaces glutamic acid 802 with glycine.
Molecular consequence: missense variant.
Genome position (GRCh38, 1-based): chr2:166,278,252, T>C on the plus strand (A>G on the coding strand, the complement: SCN9A is on the minus strand). VCF-style: chr2-166278252-T-C. GRCh37 (hg19) VCF-style: chr2-167134762-T-C.
Other names: c.2372A>G, p.Glu791Gly (NM_002977.4); short protein forms E791G, E802G.
Identifiers: ClinVar variation 1043686 (VCV001043686.10), dbSNP rs1697325250, ClinGen allele CA349078407.

ClinVar aggregate classification (germline): Uncertain significance. Review status: criteria provided, multiple submitters, no conflicts (2 of 4 stars). 2 submissions from 2 submitters: Uncertain significance (2). Last evaluated 2024-12-11.

Conditions:
Neuropathy, hereditary sensory and autonomic, type 2A (HSAN2A). Also called: WNK1-Related HSAN2 (HSAN2A); MORVAN DISEASE; NEUROPATHY, CONGENITAL SENSORY; NEUROPATHY, HEREDITARY SENSORY RADICULAR, AUTOSOMAL RECESSIVE; NEUROPATHY, HEREDITARY SENSORY, TYPE IIA; NEUROPATHY, PROGRESSIVE SENSORY, OF CHILDREN. Identifiers: Orphanet 970, MedGen C2752089, MONDO:0024309, OMIM 201300.
Generalized epilepsy with febrile seizures plus, type 7 (GEFSP7). Also called: GEFS+, TYPE 7. Identifiers: Orphanet 36387, MedGen C2751778, MONDO:0013470, OMIM 613863.

Allele frequency attached by ClinVar (database versions not stated): gnomAD exomes below 0.00001; gnomAD 0.00001; TOPMed 0.00001.
gnomAD v4.1: 2 of 1,612,292 alleles (0.00012%); highest among the groups gnomAD compares: Admixed American, 0.0017%; no homozygotes.

Submissions (2):

GeneDx
Classification: Uncertain significance. Last evaluated: 2024-12-11. Review status: criteria provided, single submitter. Criteria: GeneDx Variant Classification Process June 2021. Collection method: clinical testing. Allele origin: germline. Affected: yes.
Comment: Not observed at significant frequency in large population cohorts (gnomAD); In silico analysis indicates that this missense variant does not alter protein structure/function; Has not been previously published as pathogenic or benign to our knowledge

Labcorp Genetics (formerly Invitae), Labcorp
Classification: Uncertain significance for Neuropathy, hereditary sensory and autonomic, type 2A; Generalized epilepsy with febrile seizures plus, type 7. Last evaluated: 2024-12-07. Review status: criteria provided, single submitter. Criteria: Invitae Variant Classification Sherloc (09022015). Collection method: clinical testing. Allele origin: germline.
Comment: This sequence change replaces glutamic acid, which is acidic and polar, with glycine, which is neutral and non-polar, at codon 791 of the SCN9A protein (p.Glu791Gly). This variant is not present in population databases (gnomAD no frequency). This variant has not been reported in the literature in individuals affected with SCN9A-related conditions. ClinVar contains an entry for this variant (Variation ID: 1043686). Invitae Evidence Modeling of protein sequence and biophysical properties (such as structural, functional, and spatial information, amino acid conservation, physicochemical variation, residue mobility, and thermodynamic stability) indicates that this missense variant is not expected to disrupt SCN9A protein function with a negative predictive value of 95%. In summary, the available evidence is currently insufficient to determine the role of this variant in disease. Therefore, it has been classified as a Variant of Uncertain Significance.